The following is an entry in ClinVar:

NM_000535.7(PMS2):c.499C>G (p.Pro167Ala)

Gene: PMS2 (PMS1 homolog 2, mismatch repair system component; minus strand). Cytogenetic location: 7p22.1.
Variant type: single nucleotide variant.
Coding change: c.499C>G on transcript NM_000535.7 (MANE Select); coding-DNA position 499, C replaced by G.
Protein change: p.Pro167Ala; replaces proline 167 with alanine.
Molecular consequence: missense variant. On other transcripts: 5 prime UTR variant (2), non-coding transcript variant (1).
Genome position (GRCh38, 1-based): chr7:6,002,491, G>C on the plus strand (C>G on the coding strand, the complement: PMS2 is on the minus strand). VCF-style: chr7-6002491-G-C. GRCh37 (hg19) VCF-style: chr7-6042122-G-C.
Other names: c.94C>G, p.Pro32Ala (NM_001322003.2, NM_001322004.2, NM_001322005.2 and 3 more transcripts); c.499C>G, p.Pro167Ala (NM_001322006.2, NM_001322014.2); c.181C>G, p.Pro61Ala (NM_001322007.2, NM_001322008.2); c.-386C>G (NM_001322011.2, NM_001322012.2); c.190C>G, p.Pro64Ala (NM_001322015.2); short protein forms P32A, P167A, P64A, P61A.
Identifiers: ClinVar variation 1520032 (VCV001520032.9), dbSNP rs2128816325, ClinGen allele CA366744231.

ClinVar aggregate classification (germline): Uncertain significance. Review status: criteria provided, multiple submitters, no conflicts (2 of 4 stars). 2 submissions from 2 submitters: Uncertain significance (2). Last evaluated 2024-08-13.

Conditions:
Lynch syndrome. Identifiers: Orphanet 144, MedGen C4552100, MONDO:0005835. Disease mechanism: loss of function.
Hereditary nonpolyposis colorectal neoplasms. Identifiers: MedGen C0009405, MeSH D003123.

Submissions (2):

All of Us Research Program, National Institutes of Health
Classification: Uncertain significance for Lynch syndrome. Last evaluated: 2024-08-13. Review status: criteria provided, single submitter. Criteria: ACMG Guidelines, 2015. Collection method: clinical testing. Allele origin: germline. Inheritance: Autosomal dominant inheritance. Observed: 1 variant allele, 1 heterozygote.
Comment: This missense variant replaces proline with alanine at codon 167 of the PMS2 protein. Computational prediction suggests that this variant may have deleterious impact on protein structure and function (internally defined REVEL score threshold >= 0.7, PMID: 27666373). To our knowledge, functional studies have not been reported for this variant. This variant has not been reported in individuals affected with PMS2-related disorders in the literature. This variant has not been identified in the general population by the Genome Aggregation Database (gnomAD). The available evidence is insufficient to determine the role of this variant in disease conclusively. Therefore, this variant is classified as a Variant of Uncertain Significance.

This study involves interpretation of variants in research participants for the purpose of population health screening. Participant phenotype was not available at the time of variant classification. Additional details can be found in publication PMID: 35346344, PMCID: PMC8962531

Labcorp Genetics (formerly Invitae), Labcorp
Classification: Uncertain significance for Hereditary nonpolyposis colorectal neoplasms. Last evaluated: 2021-03-26. Review status: criteria provided, single submitter. Criteria: Invitae Variant Classification Sherloc (09022015). Collection method: clinical testing. Allele origin: germline.
Comment: This variant is not present in population databases (ExAC no frequency). This variant has not been reported in the literature in individuals with PMS2-related conditions. Advanced modeling of protein sequence and biophysical properties (such as structural, functional, and spatial information, amino acid conservation, physicochemical variation, residue mobility, and thermodynamic stability) performed at Invitae indicates that this missense variant is not expected to disrupt PMS2 protein function. Algorithms developed to predict the effect of sequence changes on RNA splicing suggest that this variant may create or strengthen a splice site, but this prediction has not been confirmed by published transcriptional studies. In summary, the available evidence is currently insufficient to determine the role of this variant in disease. Therefore, it has been classified as a Variant of Uncertain Significance. This sequence change replaces proline with alanine at codon 167 of the PMS2 protein (p.Pro167Ala). The proline residue is highly conserved and there is a small physicochemical difference between proline and alanine.